The following is an entry in ClinVar:

ClinVar aggregate classification (germline): Uncertain significance (1 of 4 stars; one submission).

Submission:

Ambry Genetics
Classification: Uncertain significance. Last evaluated: 2021-09-01. Review status: criteria provided, single submitter. Criteria: Ambry Variant Classification Scheme 2023. Collection method: clinical testing. Allele origin: germline.
Comment: The p.V421I variant (also known as c.1261G>A) is located in coding exon 5 of the PALLD gene. The valine at codon 421 is replaced by isoleucine, an amino acid with highly similar properties. This change occurs in the first base pair of coding exon 5. This amino acid position is conserved. In addition, this alteration is predicted to be tolerated by in silico analysis. Since supporting evidence is limited at this time, the clinical significance of this alteration remains unclear.

NM_001166108.2(PALLD):c.1261G>A (p.Val421Ile)

Gene: PALLD (palladin, cytoskeletal associated protein; plus strand). Cytogenetic location: 4q32.3.
Variant type: single nucleotide variant.
Coding change: c.1261G>A on transcript NM_001166108.2 (MANE Select); coding-DNA position 1261, G replaced by A.
Protein change: p.Val421Ile; replaces valine 421 with isoleucine.
Molecular consequence: missense variant.
Genome position (GRCh38, 1-based): chr4:168,685,485, G>A. VCF-style: chr4-168685485-G-A. GRCh37 (hg19) VCF-style: chr4-169606636-G-A.
Other names: c.115G>A, p.Val39Ile (NM_001166109.2); c.1261G>A, p.Val421Ile (NM_016081.4); short protein forms V421I, V39I.
Identifiers: ClinVar variation 1763306 (VCV001763306.2), dbSNP rs2531609698, ClinGen allele CA358794377.